The following is an entry in ClinVar:

ClinVar aggregate classification (germline): Uncertain significance. Review status: criteria provided, multiple submitters, no conflicts (2 of 4 stars). 4 submissions from 4 submitters: Uncertain significance (2). 2 of the submissions do not count toward it. Last evaluated 2022-02-11.

Conditions:
Hypertrophic cardiomyopathy 1 (CMH1). Also called: Familial hypertrophic cardiomyopathy 1; MYH7-Related Familial Hypertrophic Cardiomyopathy. Identifiers: MedGen C3495498, MONDO:0008647, OMIM 192600.
Sick sinus syndrome 3, susceptibility to (SSS3). Identifiers: Orphanet 166282, MedGen C3279791, MONDO:0013568, OMIM 614090.
Hypertrophic cardiomyopathy 14. Identifiers: MedGen C2750467, MONDO:0013197, OMIM 613251.
Dilated cardiomyopathy 1EE (CMD1EE). Identifiers: Orphanet 154, MedGen C2750466, MONDO:0013198, OMIM 613252.
Atrial septal defect 3 (ASD3). Identifiers: Orphanet 1478, MedGen C3279790, MONDO:0013567, OMIM 614089.

Submissions (4):

Fulgent Genetics
Classification: Uncertain significance for Hypertrophic cardiomyopathy 1; Hypertrophic cardiomyopathy 14; Dilated cardiomyopathy 1EE; Atrial septal defect 3; Sick sinus syndrome 3, susceptibility to. Last evaluated: 2022-02-11. Review status: criteria provided, single submitter. Criteria: ACMG Guidelines, 2015. Collection method: clinical testing. Allele origin: unknown.

Laboratory for Molecular Medicine, Mass General Brigham Personalized Medicine
Classification: Uncertain significance. Last evaluated: 2021-05-07. Review status: criteria provided, single submitter. Criteria: ACMG Guidelines, 2015. Collection method: clinical testing. Allele origin: germline.
Comment: proposed classification - variant undergoing re-assessment, contact laboratory

Clinical Genetics DNA and cytogenetics Diagnostics Lab, Erasmus MC, Erasmus Medical Center
Classification: Benign. Review status: no assertion criteria provided. Collection method: clinical testing. Allele origin: germline. Affected: yes. Study: VKGL Data-share Consensus. Not counted in ClinVar's aggregate classification.

Joint Genome Diagnostic Labs from Nijmegen and Maastricht, Radboudumc and MUMC+
Classification: Likely benign. Review status: no assertion criteria provided. Collection method: clinical testing. Allele origin: germline. Affected: yes. Study: VKGL Data-share Consensus. Not counted in ClinVar's aggregate classification.

NM_002471.4(MYH6):c.3979-9_3979-7delinsGC

Gene: MYH6 (myosin heavy chain 6; minus strand). Cytogenetic location: 14q11.2.
Variant type: Indel.
Coding change: c.3979-9_3979-7delinsGC on transcript NM_002471.4 (MANE Select); 9 bases into the intron before coding-DNA position 3979 through 7 bases into the intron before coding-DNA position 3979, CCT replaced by GC.
Molecular consequence: intron variant.
Genome position (GRCh38, 1-based): chr14:23,389,062-23,389,064, AGG replaced by GC on the plus strand (CCT replaced by GC on the coding strand, the reverse complement: MYH6 is on the minus strand). VCF-style: chr14-23389062-AGG-GC. GRCh37 (hg19) VCF-style: chr14-23858271-AGG-GC.
Identifiers: ClinVar variation 164228 (VCV000164228.9), dbSNP rs796876119, ClinGen allele CA176945.